The following is an entry in ClinVar:

NM_138694.4(PKHD1):c.383del (p.Thr128fs)

Gene: PKHD1 (PKHD1 ciliary IPT domain containing fibrocystin/polyductin; minus strand). Cytogenetic location: 6p12.2.
Variant type: Deletion.
Coding change: c.383del on transcript NM_138694.4 (MANE Select); coding-DNA position 383, one base deleted (C; older notation c.383delC).
Protein change: p.Thr128fs; shifts the reading frame from threonine 128.
Molecular consequence: frameshift variant.
Genome position (GRCh38, 1-based): chr6:52,079,907, G deleted on the plus strand (C on the coding strand, the reverse complement: PKHD1 is on the minus strand). VCF-style (leftmost placement, unchanged base first): chr6-52079906-AG-A. GRCh37 (hg19) VCF-style: chr6-51944704-AG-A.
Other names: c.383del, p.Thr128fs (NM_170724.3); c.383delC (NM_138694.3); c.383del (NM_170724.2); short protein forms T128fs.
Identifiers: ClinVar variation 594678 (VCV000594678.24), dbSNP rs868562051, ClinGen allele CA138932137.

ClinVar aggregate classification (germline): Pathogenic. Review status: criteria provided, multiple submitters, no conflicts (2 of 4 stars). 12 submissions from 12 submitters: Pathogenic (10). 2 of the submissions do not count toward it. Last evaluated 2025-12-30.

Conditions:
PKHD1-related disorder. Also called: PKHD1-related condition.
Autosomal recessive polycystic kidney disease (ARPKD). Also called: AR polycystic kidney disease. Identifiers: Orphanet 731, Orphanet 8378, MedGen C0085548, MeSH D017044, MONDO:0009889.
Polycystic kidney disease 4 (PKD4). Also called: POLYCYSTIC KIDNEY DISEASE 4 WITH OR WITHOUT POLYCYSTIC LIVER DISEASE; Autosomal Recessive Polycystic Kidney Disease – PKHD1; PKD3; POLYCYSTIC KIDNEY AND HEPATIC DISEASE 1; POLYCYSTIC KIDNEY DISEASE, INFANTILE, TYPE I. Identifiers: MedGen C4540575, MONDO:0033004, OMIM 263200.
Polycystic kidney disease. Also called: Kidney, Polycystic; Polycystic kidney dysplasia. Identifiers: MedGen C0022680, MeSH D007690, MONDO:0020642, HP:0000113.

Allele frequency attached by ClinVar (database versions not stated): TOPMed below 0.00001; gnomAD 0.00001; gnomAD exomes 0.00001.

Submissions (12):

Dasa
Classification: Pathogenic. Last evaluated: 2025-12-30. Review status: criteria provided, single submitter. Criteria: DASA Assertion Criteria. Collection method: clinical testing. Allele origin: germline.
Comment: NM_138694.4(PKHD1):c.383del (p.Thr128Ilefs*25) introduces a premature termination codon predicted to result in loss of normal protein function. Loss-of-function is an established mechanism of disease for this gene. This variant has been reported in an affected individual with related phenotype in a genotype context consistent with recessive disease (PMID: 12846734). The variant is present at low frequency in population datasets. Based on the available data, this variant is classified as pathogenic.

Natera, Inc.
Classification: Pathogenic for Autosomal recessive polycystic kidney disease. Last evaluated: 2025-10-09. Review status: criteria provided, single submitter. Criteria: Natera Variant Classification Schema (03/2026). Collection method: clinical testing. Allele origin: germline.
Comment: The c.383delC variant in PKHD1 is a frameshift variant predicted to shift the reading frame beginning at codon 128 and leads to a stop codon 25 codons downstream. This variant is expected to result in nonsense mediated decay, truncation, or a dysfunctional protein product. This variant is rare in the general population with a frequency below the threshold expected for the associated phenotype(s). This variant has been observed in one or more individuals affected with the associated recessive disease, as either homozygous or compound heterozygous with a second variant (PMID: 24162162). Given the available evidence, this variant is classified as Pathogenic.

Revvity Omics, Revvity
Classification: Pathogenic for Polycystic kidney disease 4. Last evaluated: 2024-03-29. Review status: criteria provided, single submitter. Criteria: ACMG Guidelines, 2015. Collection method: clinical testing. Allele origin: germline.

Labcorp Genetics (formerly Invitae), Labcorp
Classification: Pathogenic for Autosomal recessive polycystic kidney disease. Last evaluated: 2024-03-22. Review status: criteria provided, single submitter. Criteria: Invitae Variant Classification Sherloc (09022015). Collection method: clinical testing. Allele origin: germline.
Comment: This sequence change creates a premature translational stop signal (p.Thr128Ilefs*25) in the PKHD1 gene. It is expected to result in an absent or disrupted protein product. Loss-of-function variants in PKHD1 are known to be pathogenic (PMID: 19940839). This variant is present in population databases (no rsID available, gnomAD 0.006%). This premature translational stop signal has been observed in individual(s) with polycystic kidney disease (PMID: 12846734). ClinVar contains an entry for this variant (Variation ID: 594678). For these reasons, this variant has been classified as Pathogenic.

Fulgent Genetics
Classification: Pathogenic for Polycystic kidney disease 4. Last evaluated: 2024-01-12. Review status: criteria provided, single submitter. Criteria: ACMG Guidelines, 2015. Collection method: clinical testing. Allele origin: germline.

GeneDx
Classification: Pathogenic. Last evaluated: 2023-11-19. Review status: criteria provided, single submitter. Criteria: GeneDx Variant Classification Process June 2021. Collection method: clinical testing. Allele origin: germline. Affected: yes.
Comment: Frameshift variant predicted to result in protein truncation or nonsense mediated decay in a gene for which loss of function is a known mechanism of disease; Not observed at significant frequency in large population cohorts (gnomAD); This variant is associated with the following publications: (PMID: 31589614, 15108277, 15706593, 12846734)

Women's Health and Genetics/Laboratory Corporation of America, LabCorp
Classification: Pathogenic for Autosomal recessive polycystic kidney disease. Last evaluated: 2021-12-10. Review status: criteria provided, single submitter. Criteria: LabCorp Variant Classification Summary - May 2015. Collection method: clinical testing. Allele origin: germline.
Comment: Variant summary: PKHD1 c.383delC (p.Thr128IlefsX25) results in a premature termination codon, predicted to cause a truncation of the encoded protein or absence of the protein due to nonsense mediated decay, which are commonly known mechanisms for disease. Truncations downstream of this position have been classified as pathogenic by our laboratory. The variant allele was found at a frequency of 2e-05 in 251456 control chromosomes (gnomAD). c.383delC has been reported in the literature in compound heterozygous individuals affected with Polycystic Kidney And Hepatic Disease that did not survice to adulthood (examples: Rossetti_2003, Bergmann_2005, Krall_2014, and Bullich_2018). These data indicate that the variant is associated with disease. To our knowledge, no experimental evidence demonstrating an impact on protein function has been reported. Two clinical diagnostic laboratories have submitted clinical-significance assessments for this variant to ClinVar after 2014 and classified the variant as pathogenic. Based on the evidence outlined above, the variant was classified as pathogenic.

Rady Children's Institute for Genomic Medicine, Rady Children's Hospital San Diego
Classification: Pathogenic for POLYCYSTIC KIDNEY DISEASE, AUTOSOMAL RECESSIVE. Last evaluated: 2020-09-29. Review status: criteria provided, single submitter. Criteria: ACMG Guidelines, 2015. Collection method: clinical testing. Allele origin: germline. Affected: yes.
Comment: This frameshifting variant in exon 5 of 67 introduces a premature stop codon and is therefore predicted to result in loss of normal protein function through either protein truncation or nonsense-mediated mRNA decay (NMD). This variant has been previously reported as a compound heterozygous change in patients with neonatal polycystic kidney disease (PMID: 12846734). It is present in the heterozygous state in the gnomAD population database at a frequency of 0.002% (5/251456) and thus is presumed to be rare. Based on the available evidence, the c.383del (p.Thr128IlefsTer25) variant is classified as Pathogenic.

Eurofins Ntd Llc (ga)
Classification: Pathogenic. Last evaluated: 2017-10-24. Review status: criteria provided, single submitter. Criteria: EGL Classification Definitions 2015. Collection method: clinical testing. Allele origin: germline. Observed: 1 variant allele, 1 heterozygote.

Baylor Genetics
Classification: Pathogenic for Polycystic kidney disease 4. Review status: criteria provided, single submitter. Criteria: ACMG Guidelines, 2015. Collection method: clinical testing. Allele origin: germline.

PreventionGenetics, part of Exact Sciences
Classification: Pathogenic for PKHD1-related condition. Last evaluated: 2024-03-05. Review status: no assertion criteria provided. Collection method: clinical testing. Allele origin: germline. Not counted in ClinVar's aggregate classification.
Comment: The PKHD1 c.383delC variant is predicted to result in a frameshift and premature protein termination (p.Thr128Ilefs*25). This variant has been reported to be pathogenic for autosomal recessive polycystic kidney disease (ARPKD) (see for example, Rossetti et al. 2003. PubMed ID: 12846734). This variant is reported in 0.0058% of alleles in individuals of Latino descent in gnomAD. Frameshift variants in PKHD1 are expected to be pathogenic. This variant is interpreted as pathogenic.

Department of Pathology and Laboratory Medicine, Sinai Health System
Classification: Pathogenic for Polycystic Kidney disease. Review status: no assertion criteria provided. Collection method: clinical testing. Allele origin: unknown. Affected: yes. Study: The Canadian Open Genetics Repository (COGR). Not counted in ClinVar's aggregate classification.
Comment: The PKHD1 p.Thr128Ilefs*25 variant was identified in 3 of 450 proband chromosomes (frequency: 0.007) from individuals or families with ARPKD (Bergmann 2005, Rosetti 2003). The variant was also identified in dbSNP (ID: rs868562051), LOVD 3.0, and in RWTH AAachen University ARPKD database (as pathogenic). The variant was not identified in the following control databases: the Exome Aggregation Consortium (August 8th 2016), or the Genome Aggregation Database (Feb 27, 2017). The c.383del variant is predicted to cause a frameshift, which alters the protein amino acid sequence beginning at codon 128 and leads to a premature stop codon at position 152. This alteration is then predicted to result in a truncated or absent protein and loss of function. Loss of function variants of the PKHD1 gene are an established mechanism of disease in ARPKD and is the type of variant expected to cause the disorder. The variant occurs outside of the splicing consensus sequence and 2 of 4 in silico or computational prediction software programs (SpliceSiteFinder, MaxEntScan, NNSPLICE, GeneSplicer) predict a greater than 10% difference in splicing; this is not very predictive of pathogenicity. In summary, based on the above information this variant meets our laboratoryâ€šÃ„Ã´s criteria to be classified as pathogenic.

Literature cited by the submitters: PubMed 12846734 (cited by 3 submitters); PubMed 24162162 (cited by Natera, Inc. and Women's Health and Genetics/Laboratory Corporation of America, LabCorp); PubMed 19940839 (cited by Labcorp Genetics (formerly Invitae), Labcorp); PubMed 15698423 (cited by Women's Health and Genetics/Laboratory Corporation of America, LabCorp); PubMed 15805161 (cited by Women's Health and Genetics/Laboratory Corporation of America, LabCorp); PubMed 15108277 (cited by Women's Health and Genetics/Laboratory Corporation of America, LabCorp); PubMed 15696446 (cited by Women's Health and Genetics/Laboratory Corporation of America, LabCorp); PubMed 14741187 (cited by Women's Health and Genetics/Laboratory Corporation of America, LabCorp); PubMed 29801666 (cited by Women's Health and Genetics/Laboratory Corporation of America, LabCorp).